The following is an entry in ClinVar:

ClinVar aggregate classification (germline): Uncertain significance (1 of 4 stars; one submission).

Conditions:
ABCD3-related disorder. Also called: ABCD3-related condition.

gnomAD v4.1: 2 of 1,610,964 alleles (0.00012%); highest among the groups gnomAD compares: South Asian, 0.0022%; no homozygotes.

Submission:

PreventionGenetics, part of Exact Sciences
Classification: Uncertain significance for ABCD3-related condition. Last evaluated: 2026-06-03. Review status: criteria provided, single submitter. Criteria: ACMG Guidelines, 2015. Collection method: clinical testing. Allele origin: germline.
Comment: The ABCD3 c.1946A>G variant is predicted to result in the amino acid substitution p.Gln649Arg. To our knowledge, this variant has not been reported in the literature. This variant is reported in 0.0065% of alleles in individuals of South Asian descent in gnomAD. At this time, the clinical significance of this variant is uncertain due to the absence of conclusive functional and genetic evidence.

NM_002858.4(ABCD3):c.1946A>G (p.Gln649Arg)

Gene: ABCD3 (ATP binding cassette subfamily D member 3; plus strand). Cytogenetic location: 1p21.3.
Variant type: single nucleotide variant.
Coding change: c.1946A>G on transcript NM_002858.4 (MANE Select); coding-DNA position 1946, A replaced by G.
Protein change: p.Gln649Arg; replaces glutamine 649 with arginine.
Molecular consequence: missense variant.
Genome position (GRCh38, 1-based): chr1:94,517,095, A>G. VCF-style: chr1-94517095-A-G. GRCh37 (hg19) VCF-style: chr1-94982651-A-G.
Other names: short protein forms Q649R.
Identifiers: ClinVar variation 4982295 (VCV004982295.1).